The following is an entry in ClinVar:

NM_000256.3(MYBPC3):c.2221dup (p.Ala741fs)

Gene: MYBPC3 (myosin binding protein C3; minus strand). Cytogenetic location: 11p11.2.
Variant type: Duplication.
Coding change: c.2221dup on transcript NM_000256.3 (MANE Select); coding-DNA position 2221, one base duplicated (G; older notation c.2221dupG).
Protein change: p.Ala741fs; shifts the reading frame from alanine 741.
Molecular consequence: frameshift variant.
Genome position (GRCh38, 1-based): chr11:47,338,607, C duplicated on the plus strand (G on the coding strand, the reverse complement: MYBPC3 is on the minus strand); the first of 5 consecutive C bases (chr11:47,338,607-47,338,611); duplicating any one gives the same sequence. VCF-style (leftmost placement, unchanged base first): chr11-47338606-G-GC. GRCh37 (hg19) VCF-style: chr11-47360157-G-GC.
Other names: short protein forms A741fs.
Identifiers: ClinVar variation 1459506 (VCV001459506.9), dbSNP rs730880650, ClinGen allele CA2573147064.

ClinVar aggregate classification (germline): Pathogenic. Review status: criteria provided, multiple submitters, no conflicts (2 of 4 stars). 2 submissions from 2 submitters: Pathogenic (2). Last evaluated 2022-10-29.

Conditions:
Hypertrophic cardiomyopathy. Also called: HYPERTROPHIC MYOCARDIOPATHY. Identifiers: Orphanet 217569, MedGen C0007194, MeSH D002312, MONDO:0005045, HP:0001639.
Cardiovascular phenotype. Identifiers: MedGen CN230736.

Submissions (2):

Labcorp Genetics (formerly Invitae), Labcorp
Classification: Pathogenic for Hypertrophic cardiomyopathy. Last evaluated: 2022-10-29. Review status: criteria provided, single submitter. Criteria: Invitae Variant Classification Sherloc (09022015). Collection method: clinical testing. Allele origin: germline.
Comment: This sequence change creates a premature translational stop signal (p.Ala741Glyfs*6) in the MYBPC3 gene. It is expected to result in an absent or disrupted protein product. Loss-of-function variants in MYBPC3 are known to be pathogenic (PMID: 19574547). For these reasons, this variant has been classified as Pathogenic. ClinVar contains an entry for this variant (Variation ID: 1459506). This premature translational stop signal has been observed in individuals with hypertrophic cardiomyopathy (PMID: 26090888; Invitae). This variant is not present in population databases (gnomAD no frequency).

Molecular Diagnostic Laboratory for Inherited Cardiovascular Disease, Montreal Heart Institute
Classification: Pathogenic for Cardiovascular phenotype. Last evaluated: 2022-07-18. Review status: criteria provided, single submitter. Criteria: ACMG Guidelines, 2015. Collection method: clinical testing. Allele origin: germline. Affected: yes.

Literature cited by the submitters: PubMed 19574547 (cited by Labcorp Genetics (formerly Invitae), Labcorp); PubMed 26090888 (cited by Labcorp Genetics (formerly Invitae), Labcorp).